The following is an entry in ClinVar:

ClinVar aggregate classification (germline): Benign/Likely benign. Review status: criteria provided, multiple submitters, no conflicts (2 of 4 stars). 4 submissions from 4 submitters: Benign (2); Likely benign (1). 1 of the submissions does not count toward it. Last evaluated 2025-12-24.

Conditions:
SIPA1L3-related disorder. Also called: SIPA1L3-related condition.

Allele frequency attached by ClinVar (database versions not stated): gnomAD exomes 0.00060; ExAC 0.00070; gnomAD 0.00238 and 0.00257; 1000 Genomes Project 0.00240; ESP Exome Variant Server 0.00254; TOPMed 0.00263; 1000 Genomes Project 30x 0.00281.
gnomAD v4.1: 689 of 1,612,872 alleles (0.043%); highest among the groups gnomAD compares: African/African-American, 0.79%; 1 homozygote.

Submissions (4):

Labcorp Genetics (formerly Invitae), Labcorp
Classification: Benign. Last evaluated: 2025-12-24. Review status: criteria provided, single submitter. Criteria: Invitae Variant Classification Sherloc (09022015). Collection method: clinical testing. Allele origin: germline.

CeGaT Center for Human Genetics Tuebingen
Classification: Likely benign. Last evaluated: 2022-10-01. Review status: criteria provided, single submitter. Criteria: CeGaT Center For Human Genetics Tuebingen Variant Classification Criteria Version 2. Collection method: clinical testing. Allele origin: germline. Affected: yes. Observed: 1 variant allele.
Comment: SIPA1L3: BP4, BS2

Breakthrough Genomics
Classification: Benign. Review status: criteria provided, single submitter. Criteria: ACMG Guidelines, 2015. Collection method: not provided. Allele origin: germline. Inheritance: Autosomal recessive inheritance. Affected: yes.

PreventionGenetics, part of Exact Sciences
Classification: Likely benign for SIPA1L3-related condition. Last evaluated: 2020-07-23. Review status: no assertion criteria provided. Collection method: clinical testing. Allele origin: germline. Not counted in ClinVar's aggregate classification.
Comment: This variant is classified as likely benign based on ACMG/AMP sequence variant interpretation guidelines (Richards et al. 2015 PMID: 25741868, with internal and published modifications).

NM_015073.3(SIPA1L3):c.2830T>C (p.Ser944Pro)

Gene: SIPA1L3 (signal induced proliferation associated 1 like 3; plus strand). Cytogenetic location: 19q13.13.
Variant type: single nucleotide variant.
Coding change: c.2830T>C on transcript NM_015073.3 (MANE Select); coding-DNA position 2830, T replaced by C.
Protein change: p.Ser944Pro; replaces serine 944 with proline.
Molecular consequence: missense variant.
Genome position (GRCh38, 1-based): chr19:38,119,844, T>C. VCF-style: chr19-38119844-T-C. GRCh37 (hg19) VCF-style: chr19-38610484-T-C.
Other names: c.2830T>C (NM_015073.2); short protein forms S944P.
Identifiers: ClinVar variation 1544927 (VCV001544927.38), dbSNP rs150886878, ClinGen allele CA9409779.